The following is an entry in ClinVar:

NM_007294.4(BRCA1):c.5564del (p.Ile1855fs)

Gene: BRCA1 (BRCA1 DNA repair associated; minus strand). Cytogenetic location: 17q21.31.
Variant type: Deletion.
Coding change: c.5564del on transcript NM_007294.4 (MANE Select); coding-DNA position 5564, one base deleted (T; older notation c.5564delT).
Protein change: p.Ile1855fs; shifts the reading frame from isoleucine 1855.
Molecular consequence: frameshift variant. On other transcripts: 3 prime UTR variant (1), non-coding transcript variant (1).
Genome position (GRCh38, 1-based): chr17:43,045,706, A deleted on the plus strand (T on the coding strand, the reverse complement: BRCA1 is on the minus strand). VCF-style (leftmost placement, unchanged base first): chr17-43045705-TA-T. GRCh37 (hg19) VCF-style: chr17-41197722-TA-T.
Other names: NM_007294.4(BRCA1):c.5564del; p.Ile1855fs; c.5558delT, p.Ile1853Asnfs (NM_001407636.1, NM_001407637.1, NM_001407638.1 and 13 more transcripts); c.5555delT, p.Ile1852Asnfs (NM_001407644.1, NM_001407645.1); c.5552delT, p.Ile1851Asnfs (NM_001407646.1); c.5549delT, p.Ile1850Asnfs (NM_001407647.1); c.5507delT, p.Ile1836Asnfs (NM_001407648.1); c.5504delT, p.Ile1835Asnfs (NM_001407649.1); and 79 more; short protein forms I1808fs, I1855fs, I1876fs, I751fs.
Identifiers: ClinVar variation 496397 (VCV000496397.5), dbSNP rs1555574355, ClinGen allele CA658684035.

ClinVar aggregate classification (germline): Uncertain significance. Review status: reviewed by expert panel (3 of 4 stars). 3 submissions from 3 submitters: Uncertain significance (1). 2 of the submissions do not count toward it. Last evaluated 2026-08-27.

Conditions:
BRCA1-related cancer predisposition. Identifiers: MedGen CN377757, MONDO:0700268.

Submissions (3):

ClinGen ENIGMA BRCA1 and BRCA2 Variant Curation Expert Panel, ClinGen
Classification: Uncertain significance for BRCA1-related cancer predisposition. Last evaluated: 2026-08-27. Review status: reviewed by expert panel. Criteria: CSpec BRCA1/2ACMG Rules Specifications V1.2. Collection method: curation. Allele origin: germline. Inheritance: Autosomal dominant inheritance.
Comment: The c.5564del variant in BRCA1 is a deletion of a single nucleotide in the last exon, predicted to encode a frameshift and result in a novel stop codon downstream of the original stop codon. This variant is predicted to escape nonsense mediated decay and lead to a change in, and an extension of, a region with unknown protein function (the last 9 amino acids are replaced by 66 different ones) (p.(Ile1855AsnfsTer67)). This deletion variant was not observed in gnomAD v4.1, but PM2_Supporting was not applied since recall is considered suboptimal for this type of variant (PM2_Supporting not met). The sequence up to BRCA1 p.Leu1854 is predicted to be maintained. Frameshift variants predicted to cause a stop codon downstream of p.Leu1854 are not predicted to cause NMD and the role of the region in the protein function is unknown (PVS1_N/A, PM5_N/A (PTC)). In summary, this variant did not meet any criteria and is classified as a Variant of uncertain significance for BRCA1-related cancer predisposition based on the ACMG/AMP criteria applied as specified by the ENIGMA BRCA1/2 VCEP (v1.2).

GeneDx
Classification: Likely pathogenic. Last evaluated: 2018-04-17. Review status: criteria provided, single submitter. Criteria: GeneDx Variant Classification (06012015). Collection method: clinical testing. Allele origin: germline. Affected: yes. Not counted in ClinVar's aggregate classification.
Comment: This deletion of one nucleotide in BRCA1 is denoted c.5564delT at the cDNA level and p.Ile1855AsnfsX67 (I1855NfsX67) at the protein level. The normal sequence, with the base that is deleted in brackets, is CTGA[delT]ACCC. The deletion causes a frameshift which changes an Isoleucine to an Asparagine at codon 1855 in the last exon of the gene, and results in an extension of the protein. The last 9 correct amino acids are replaced by 66 incorrect ones, disrupting a region that contains the BRCT2 domain and a region known to interact with multiple other proteins (Paul 2014, UniProt). Based on currently available evidence, we consider this deletion to be a likely pathogenic variant.

Women's Health and Genetics/Laboratory Corporation of America, LabCorp
Classification: Uncertain significance. Last evaluated: 2016-11-02. Review status: criteria provided, single submitter. Criteria: LabCorp Variant Classification Summary - May 2015. Collection method: clinical testing. Allele origin: germline. Not counted in ClinVar's aggregate classification.
Comment: Variant summary: The c.5564delT variant creates a lost stop codon and creates a stop codon 67 amino acids downstream, resulting in an elongated protein. The variant is absent in the large ExAC control population, and has not been reported in databases or literature. Due to the absence of sufficient information, this variant has been classified as a VUS until additional evidence becomes available.